The following is an entry in ClinVar:

NM_001042492.3(NF1):c.3200_3201insATTTT (p.Asp1067fs)

Gene: NF1 (neurofibromin 1; plus strand). Cytogenetic location: 17q11.2.
Variant type: Insertion.
Coding change: c.3200_3201insATTTT on transcript NM_001042492.3 (MANE Select); coding-DNA positions 3200 to 3201, ATTTT inserted.
Protein change: p.Asp1067fs; shifts the reading frame from aspartic acid 1067.
Molecular consequence: frameshift variant.
Genome position: GRCh38 VCF-style: chr17-31232075-A-AATTTT. GRCh37 (hg19) VCF-style: chr17-29559093-A-AATTTT.
Other names: c.3200_3201insATTTT, p.Asp1067Glufs (NM_000267.4); short protein forms D1067fs.
Identifiers: ClinVar variation 3075906 (VCV003075906.1), dbSNP rs2508223282, ClinGen allele CA2637079474.
Genomic context (GRCh38, chr17:31,232,075, plus strand): 5'-AAGAACTTGAAAGATTCATGGTCTCTAAATTTTTTTTTTTTTTTTTTTTTTTTTTCAGAG[A>AATTTT]TTTGGACCAGGCAAGCATGGAAGCAGTAGTTTCACTTCTAGCTGGTCTCCCTCTGCAGCC-3'

ClinVar aggregate classification (germline): Likely pathogenic (1 of 4 stars; one submission).

Conditions:
Neurofibromatosis, type 1 (NF1). Also called: Neurofibromatosis, type I; VON RECKLINGHAUSEN DISEASE; NEUROFIBROMATOSIS, TYPE I, SOMATIC; Peripheral type neurofibromatosis. Identifiers: Orphanet 636, MedGen C0027831, MONDO:0018975, OMIM 162200. Disease mechanism: loss of function.

Submission:

Laboratory for Molecular Medicine, Mass General Brigham Personalized Medicine
Classification: Likely pathogenic for Neurofibromatosis, type 1. Last evaluated: 2022-11-03. Review status: criteria provided, single submitter. Criteria: ACMG Guidelines, 2015. Collection method: clinical testing. Allele origin: germline.
Comment: The p.Asp1607GlufsX12 variant in NF1 has not been reported in individuals with disease and was absent from large population studies.This variant is predicted to cause a frameshift, which alters the protein’s amino acid sequence beginning at position 1607 and leads to a premature termination codon 12 amino acids downstream. This alteration is then predicted to lead to a truncated or absent protein. Loss of function of the NF1 gene is an established disease mechanism in autosomal dominant neurofibromatosis. In summary, although additional studies are required to fully establish its clinical significance, this variant meets criteria to be classified as likely pathogenic for autosomal dominant neurofibromatosis. ACMG/AMP Criteria applied: PM2_supporting, PVS1.